The following is an entry in ClinVar:

NM_001267550.2(TTN):c.84630del (p.Asp28211fs)

Genes: TTN (titin; minus strand), TTN-AS1 (TTN antisense RNA 1; plus strand). Cytogenetic location: 2q31.2.
Variant type: Deletion.
Coding change: c.84630del on transcript NM_001267550.2 (MANE Select); coding-DNA position 84630, one base deleted (T; older notation c.84630delT).
Protein change: p.Asp28211fs; shifts the reading frame from aspartic acid 28211.
Molecular consequence: frameshift variant.
Genome position (GRCh38, 1-based): chr2:178,561,502, A deleted on the plus strand (T on the coding strand, the reverse complement: TTN is on the minus strand). VCF-style (leftmost placement, unchanged base first): chr2-178561501-CA-C. GRCh37 (hg19) VCF-style: chr2-179426228-CA-C.
Other names: c.79707del, p.Asp26570fs (NM_001256850.1); c.57435del, p.Asp19146fs (NM_003319.4); c.76926del, p.Asp25643fs (NM_133378.4); c.57810del, p.Asp19271fs (NM_133432.3); c.58011del, p.Asp19338fs (NM_133437.4); c.79707delT (NM_001256850.1); short protein forms D19146fs, D25643fs, D26570fs, D28211fs, D19271fs, D19338fs.
Identifiers: ClinVar variation 817695 (VCV000817695.1), dbSNP rs1575623612, ClinGen allele CA915942225.
Genomic context (GRCh38, chr2:178,561,501, plus strand): 5'-CATATACACGATACTCATACATCAGTCCTTCATCAAGGCCGGAGACTTTCATTTGAGTAT[CA>C]GCAATGAGGATTTTATTTGCTTTTGACCAAAGAATGCTGCTTCTTTCTTTATACTCAAGA-3'

ClinVar aggregate classification (germline): Likely pathogenic (1 of 4 stars; one submission).

Submission:

GeneDx
Classification: Likely pathogenic. Last evaluated: 2018-07-02. Review status: criteria provided, single submitter. Criteria: GeneDx Variant Classification (06012015). Collection method: clinical testing. Allele origin: germline. Affected: yes.
Comment: The c.76926delT variant in the TTN gene has not been reported previously as a pathogenic variant nor as a benign variant, to our knowledge. The c.76926delT variant causes a frameshift starting with codon Aspartic acid 25643, changes this amino acid to an Isoleucine residue, and creates a premature Stop codon at position 4 of the new reading frame, denoted p.Asp25643IlefsX4. This variant is predicted to cause loss of normal protein function either through protein truncation or nonsense-mediated mRNA decay. The c.76926delT variant is not observed in large population cohorts (Lek et al., 2016). We interpret c.76926delT as a likely pathogenic variant.